The following is an entry in ClinVar:

NM_000297.4(PKD2):c.1899-2A>T

Gene: PKD2 (polycystin 2, transient receptor potential cation channel; plus strand). Cytogenetic location: 4q22.1.
Variant type: single nucleotide variant.
Coding change: c.1899-2A>T on transcript NM_000297.4 (MANE Select); the canonical splice acceptor site of the intron before coding-DNA position 1899, A replaced by T.
Molecular consequence: splice acceptor variant.
Genome position (GRCh38, 1-based): chr4:88,057,981, A>T. VCF-style: chr4-88057981-A-T. GRCh37 (hg19) VCF-style: chr4-88979133-A-T.
Identifiers: ClinVar variation 2443217 (VCV002443217.2), dbSNP rs2475959160, ClinGen allele CA357623018.
Genomic context (GRCh38, chr4:88,057,981, plus strand): 5'-GTTGCATCAACTAGTGGACATTCTTTGTTTTTGTATTGTGGTGTTTTGTTTTATTTTTAT[A>T]GCTTCACTCAATTCCGTATCATTTTGGGCGATATCAACTTTGCAGAGATTGAGGAAGCTA-3'

ClinVar aggregate classification (germline): Likely pathogenic (0 of 4 stars; one submission).

Submission:

Genetic Services Laboratory, University of Chicago
Classification: Likely pathogenic. Last evaluated: 2022-04-29. Review status: no assertion criteria provided. Collection method: clinical testing. Allele origin: germline. Affected: yes.
Comment: DNA sequence analysis of the PKD2 gene demonstrated a sequence change in the canonical splice acceptor site of intron 8, c.1899-2A>. This sequence change does not appear to have been previously described in individuals with PKD2-related disorders and has also not been described in population databases such as ExAC and gnomAD. This sequence change is predicted to affect normal splicing of the PKD2 gene and result in an abnormal protein, however functional studies have not been performed to prove this conclusively. Based on these collective evidences, this sequence change is classified as likely pathogenic.